The following is an entry in ClinVar:

NM_001040108.2(MLH3):c.3609G>A (p.Leu1203=)

Gene: MLH3 (mutL homolog 3; minus strand). Cytogenetic location: 14q24.3.
Variant type: single nucleotide variant.
Coding change: c.3609G>A on transcript NM_001040108.2 (MANE Select); coding-DNA position 3609, G replaced by A.
Protein change: p.Leu1203=; no amino-acid change (leucine 1203 retained).
Molecular consequence: synonymous variant.
Genome position (GRCh38, 1-based): chr14:75,038,374, C>T on the plus strand (G>A on the coding strand, the complement: MLH3 is on the minus strand). VCF-style: chr14-75038374-C-T. GRCh37 (hg19) VCF-style: chr14-75505077-C-T.
Other names: c.3609G>A, p.Leu1203= (NM_014381.3).
Identifiers: ClinVar variation 4875880 (VCV004875880.1).

ClinVar aggregate classification (germline): Benign (1 of 4 stars; one submission).

Conditions:
Colorectal cancer, hereditary nonpolyposis, type 7. Identifiers: Orphanet 144, MedGen C1858380, MONDO:0013725, OMIM 614385.

gnomAD v4.1: 1 of 1,613,966 alleles (0.000062%); highest among the groups gnomAD compares: Non-Finnish European, 0.000085%; no homozygotes.

Submission:

Myriad Genetics, Inc.
Classification: Benign for Colorectal cancer, hereditary nonpolyposis, type 7. Last evaluated: 2026-05-06. Review status: criteria provided, single submitter. Criteria: Myriad Autosomal Dominant, Autosomal Recessive and X-Linked Classification Criteria (2023). Collection method: clinical testing. Allele origin: unknown.
Comment: This variant is considered benign. This variant is a silent/synonymous amino acid change and it is not expected to impact splicing.